The following is an entry in ClinVar:

NM_002890.3(RASA1):c.2021G>A (p.Arg674His)

Genes: CCNH (cyclin H; minus strand), RASA1 (RAS p21 protein activator 1; plus strand). Cytogenetic location: 5q14.3.
Variant type: single nucleotide variant.
Coding change: c.2021G>A on transcript NM_002890.3 (MANE Select); coding-DNA position 2021, G replaced by A.
Protein change: p.Arg674His; replaces arginine 674 with histidine.
Molecular consequence: missense variant. On other transcripts: intron variant (1).
Genome position (GRCh38, 1-based): chr5:87,376,402, G>A. VCF-style: chr5-87376402-G-A. GRCh37 (hg19) VCF-style: chr5-86672219-G-A.
Other names: c.1490G>A, p.Arg497His (NM_022650.3); c.933+18642C>T (NM_001364075.2); c.2021G>A (NM_002890.2); short protein forms R497H, R674H.
Identifiers: ClinVar variation 2185998 (VCV002185998.5), dbSNP rs1194205020, ClinGen allele CA360377982.

ClinVar aggregate classification (germline): Uncertain significance. Review status: criteria provided, multiple submitters, no conflicts (2 of 4 stars). 3 submissions from 3 submitters: Uncertain significance (3). Last evaluated 2026-02-11.

Conditions:
Capillary malformation-arteriovenous malformation syndrome. Also called: Capillary malformation-arteriovenous malformation. Identifiers: Orphanet 137667, MedGen C1842180, MONDO:0012016.
Cardiovascular phenotype. Identifiers: MedGen CN230736.

Allele frequency attached by ClinVar (database versions not stated): gnomAD 0.00001.
gnomAD v4.1: 10 of 1,613,580 alleles (0.00062%); highest among the groups gnomAD compares: Middle Eastern, 0.016%; no homozygotes.

Submissions (3):

GeneDx
Classification: Uncertain significance. Last evaluated: 2026-02-11. Review status: criteria provided, single submitter. Criteria: GeneDx Variant Classification Process June 2021. Collection method: clinical testing. Allele origin: germline.
Comment: Not observed at significant frequency in large population cohorts (gnomAD); In silico analysis suggests that this missense variant does not alter protein structure/function; Has not been previously published as pathogenic or benign to our knowledge

Labcorp Genetics (formerly Invitae), Labcorp
Classification: Uncertain significance for Capillary malformation-arteriovenous malformation syndrome. Last evaluated: 2025-10-01. Review status: criteria provided, single submitter. Criteria: Invitae Variant Classification Sherloc (09022015). Collection method: clinical testing. Allele origin: germline.
Comment: This sequence change replaces arginine, which is basic and polar, with histidine, which is basic and polar, at codon 674 of the RASA1 protein (p.Arg674His). This variant is present in population databases (no rsID available, gnomAD 0.02%). This variant has not been reported in the literature in individuals affected with RASA1-related conditions. ClinVar contains an entry for this variant (Variation ID: 2185998). An algorithm developed to predict the effect of missense changes on protein structure and function (PolyPhen-2) suggests that this variant is likely to be disruptive. In summary, the available evidence is currently insufficient to determine the role of this variant in disease. Therefore, it has been classified as a Variant of Uncertain Significance.

Ambry Genetics
Classification: Uncertain significance for Cardiovascular phenotype. Last evaluated: 2020-08-25. Review status: criteria provided, single submitter. Criteria: Ambry Variant Classification Scheme 2023. Collection method: clinical testing. Allele origin: germline.
Comment: The c.2021G>A (p.R674H) alteration is located in exon 16 (coding exon 16) of the RASA1 gene. This alteration results from a G to A substitution at nucleotide position 2021, causing the arginine (R) at amino acid position 674 to be replaced by a histidine (H). Based on data from the Genome Aggregation Database (gnomAD), the RASA1 c.2021G>A alteration was observed in 0.001% (4/250,638) of total alleles studied, with a frequency of 0.02% (4/21,634) in the European Finnish subpopulation. This amino acid position is highly conserved in available vertebrate species. The alteration is predicted tolerated by in silico modeling:_x000D_ _x000D_ The p.R674H alteration is predicted to be tolerated by in silico analysis._x000D_ _x000D_ The alteration's predicted effect on splicing:_x000D_ _x000D_ In silico splice site analysis predicts that this alteration will not have any significant effect on splicing. Based on insufficient or conflicting evidence, the clinical significance of this alteration remains unclear.